The following is an entry in ClinVar:

NM_006648.4(WNK2):c.199C>T (p.Pro67Ser)

Gene: WNK2 (WNK lysine deficient protein kinase 2; plus strand). Cytogenetic location: 9q22.31.
Variant type: single nucleotide variant.
Coding change: c.199C>T on transcript NM_006648.4 (MANE Select); coding-DNA position 199, C replaced by T.
Protein change: p.Pro67Ser; replaces proline 67 with serine.
Molecular consequence: missense variant.
Genome position (GRCh38, 1-based): chr9:93,185,128, C>T. VCF-style: chr9-93185128-C-T. GRCh37 (hg19) VCF-style: chr9-95947410-C-T.
Other names: c.199C>T, p.Pro67Ser (NM_001282394.3); short protein forms P67S.
Identifiers: ClinVar variation 3981671 (VCV003981671.1).

ClinVar aggregate classification (germline): Uncertain significance (1 of 4 stars; one submission).

gnomAD v4.1: 13 of 1,303,276 alleles (0.001%); highest among the groups gnomAD compares: Non-Finnish European, 0.0013%; no homozygotes.

Submission:

Ambry Genetics
Classification: Uncertain significance. Last evaluated: 2025-03-18. Review status: criteria provided, single submitter. Criteria: Ambry Variant Classification Scheme 2023. Collection method: clinical testing. Allele origin: germline.
Comment: The p.P67S variant (also known as c.199C>T), located in coding exon 1 of the WNK2 gene, results from a C to T substitution at nucleotide position 199. The proline at codon 67 is replaced by serine, an amino acid with similar properties. This amino acid position is conserved. In addition, this alteration is predicted to be tolerated by in silico analysis. Based on the available evidence, the clinical significance of this variant remains unclear.